The following is an entry in ClinVar:

NM_032578.4(MYPN):c.3502G>A (p.Val1168Met)

Gene: MYPN (myopalladin; plus strand). Cytogenetic location: 10q21.3.
Variant type: single nucleotide variant.
Coding change: c.3502G>A on transcript NM_032578.4 (MANE Select); coding-DNA position 3502, G replaced by A.
Protein change: p.Val1168Met; replaces valine 1168 with methionine.
Molecular consequence: missense variant. On other transcripts: non-coding transcript variant (2).
Genome position (GRCh38, 1-based): chr10:68,201,837, G>A. VCF-style: chr10-68201837-G-A. GRCh37 (hg19) VCF-style: chr10-69961594-G-A.
Other names: c.3502G>A, p.Val1168Met (NM_001256267.2); c.2620G>A, p.Val874Met (NM_001256268.2); c.3502G>A (NM_032578.3); short protein forms V874M, V1168M.
Identifiers: ClinVar variation 1418871 (VCV001418871.6), dbSNP rs752125039, ClinGen allele CA5523081.

ClinVar aggregate classification (germline): Uncertain significance. Review status: criteria provided, multiple submitters, no conflicts (2 of 4 stars). 2 submissions from 2 submitters: Uncertain significance (2). Last evaluated 2024-12-02.

Conditions:
Dilated cardiomyopathy 1KK (CMD1KK). Identifiers: Orphanet 154, Orphanet 75249, MedGen C3714995, MONDO:0014100, OMIM 615248.

Allele frequency attached by ClinVar (database versions not stated): TOPMed below 0.00001; ExAC 0.00001; gnomAD exomes 0.00001.
gnomAD v4.1: 3 of 1,614,080 alleles (0.00019%); highest among the groups gnomAD compares: Admixed American, 0.005%; no homozygotes.

Submissions (2):

Labcorp Genetics (formerly Invitae), Labcorp
Classification: Uncertain significance for Dilated cardiomyopathy 1KK. Last evaluated: 2024-12-02. Review status: criteria provided, single submitter. Criteria: Invitae Variant Classification Sherloc (09022015). Collection method: clinical testing. Allele origin: germline.
Comment: This sequence change replaces valine, which is neutral and non-polar, with methionine, which is neutral and non-polar, at codon 1168 of the MYPN protein (p.Val1168Met). This variant is present in population databases (rs752125039, gnomAD 0.006%). This variant has not been reported in the literature in individuals affected with MYPN-related conditions. ClinVar contains an entry for this variant (Variation ID: 1418871). An algorithm developed to predict the effect of missense changes on protein structure and function (PolyPhen-2) suggests that this variant is likely to be tolerated. In summary, the available evidence is currently insufficient to determine the role of this variant in disease. Therefore, it has been classified as a Variant of Uncertain Significance.

GeneDx
Classification: Uncertain significance. Last evaluated: 2024-09-04. Review status: criteria provided, single submitter. Criteria: GeneDx Variant Classification Process June 2021. Collection method: clinical testing. Allele origin: germline. Affected: yes.
Comment: Not observed at significant frequency in large population cohorts (gnomAD); In silico analysis indicates that this missense variant does not alter protein structure/function; Has not been previously published as pathogenic or benign to our knowledge